The following is an entry in ClinVar:

NM_000292.3(PHKA2):c.2789G>A (p.Arg930Gln)

Gene: PHKA2 (phosphorylase kinase regulatory subunit alpha 2; minus strand). Cytogenetic location: Xp22.13.
Variant type: single nucleotide variant.
Coding change: c.2789G>A on transcript NM_000292.3 (MANE Select); coding-DNA position 2789, G replaced by A.
Protein change: p.Arg930Gln; replaces arginine 930 with glutamine.
Molecular consequence: missense variant.
Genome position (GRCh38, 1-based): chrX:18,906,512, C>T on the plus strand (G>A on the coding strand, the complement: PHKA2 is on the minus strand). VCF-style: chrX-18906512-C-T. GRCh37 (hg19) VCF-style: chrX-18924630-C-T.
Other names: c.2789G>A (NM_000292.2); short protein forms R930Q.
Identifiers: ClinVar variation 1335753 (VCV001335753.40), dbSNP rs201611776, ClinGen allele CA10361553.
Genomic context (GRCh38, chrX:18,906,512, plus strand): 5'-GGGTGGGGTGCGGCGGGAGCTGCAGGAGCTGCGGGCATCTCACCTGAGCAGTTCAGGCTC[C>T]GTGCCAGCTCCGTGGCCATCACCTGAATGATCAGTCCAATCCGGAGTCTCAGCATCTCCA-3'
Protein context (NP_000283.1, residues 920-940): IIQVMATELA[Arg930Gln]SLNCSGEEAS

ClinVar aggregate classification (germline): Uncertain significance. Review status: criteria provided, multiple submitters, no conflicts (2 of 4 stars). 3 submissions from 3 submitters: Uncertain significance (3). Last evaluated 2023-06-21.

Conditions:
Inborn genetic diseases. Identifiers: MedGen C0950123, MeSH D030342.
Glycogen storage disease IXa1. Also called: LIVER GLYCOGENOSIS, X-LINKED, TYPE I; GLYCOGEN STORAGE DISEASE VIII; GSD VIII; Glycogen storage disease 8. Identifiers: Orphanet 264580, MedGen C3694531, MONDO:0010598, OMIM 306000.

Allele frequency attached by ClinVar (database versions not stated): gnomAD exomes 0.00001; TOPMed 0.00001; ExAC 0.00003; 1000 Genomes Project 30x 0.00021; 1000 Genomes Project 0.00026.
gnomAD v4.1: 9 of 1,212,034 alleles (0.00074%); highest among the groups gnomAD compares: South Asian, 0.0053%; no homozygotes.

Submissions (3):

Labcorp Genetics (formerly Invitae), Labcorp
Classification: Uncertain significance for Glycogen storage disease IXa1. Last evaluated: 2023-06-21. Review status: criteria provided, single submitter. Criteria: Invitae Variant Classification Sherloc (09022015). Collection method: clinical testing. Allele origin: germline.
Comment: This sequence change replaces arginine, which is basic and polar, with glutamine, which is neutral and polar, at codon 930 of the PHKA2 protein (p.Arg930Gln). This variant is present in population databases (rs201611776, gnomAD 0.01%). This variant has not been reported in the literature in individuals affected with PHKA2-related conditions. ClinVar contains an entry for this variant (Variation ID: 1335753). Advanced modeling of protein sequence and biophysical properties (such as structural, functional, and spatial information, amino acid conservation, physicochemical variation, residue mobility, and thermodynamic stability) performed at Invitae indicates that this missense variant is not expected to disrupt PHKA2 protein function. In summary, the available evidence is currently insufficient to determine the role of this variant in disease. Therefore, it has been classified as a Variant of Uncertain Significance.

Ambry Genetics
Classification: Uncertain significance for Inborn genetic diseases. Last evaluated: 2023-05-31. Review status: criteria provided, single submitter. Criteria: Ambry Variant Classification Scheme 2023. Collection method: clinical testing. Allele origin: germline.

CeGaT Center for Human Genetics Tuebingen
Classification: Uncertain significance. Last evaluated: 2021-10-01. Review status: criteria provided, single submitter. Criteria: CeGaT Center For Human Genetics Tuebingen Variant Classification Criteria Version 2. Collection method: clinical testing. Allele origin: germline. Affected: yes. Observed: 1 variant allele.